The following is an entry in ClinVar:

NM_002661.5(PLCG2):c.1190C>T (p.Ser397Leu)

Gene: PLCG2 (phospholipase C gamma 2; plus strand). Cytogenetic location: 16q23.3.
Variant type: single nucleotide variant.
Coding change: c.1190C>T on transcript NM_002661.5 (MANE Select); coding-DNA position 1190, C replaced by T.
Protein change: p.Ser397Leu; replaces serine 397 with leucine.
Molecular consequence: missense variant.
Genome position (GRCh38, 1-based): chr16:81,895,924, C>T. VCF-style: chr16-81895924-C-T. GRCh37 (hg19) VCF-style: chr16-81929529-C-T.
Other names: c.1190C>T, p.Ser397Leu (NM_001425749.1, NM_001425750.1, NM_001425751.1); short protein forms S397L.
Identifiers: ClinVar variation 3625948 (VCV003625948.2).

ClinVar aggregate classification (germline): Uncertain significance (1 of 4 stars; one submission).

Conditions:
Familial cold autoinflammatory syndrome 3 (FCAS3). Also called: ANTIBODY DEFICIENCY AND IMMUNE DYSREGULATION, PLCG2-ASSOCIATED; FAMILIAL ATYPICAL COLD URTICARIA. Identifiers: Orphanet 300359, MedGen C3280914, MONDO:0013766, OMIM 614468.

gnomAD v4.1: 3 of 1,613,994 alleles (0.00019%); highest among the groups gnomAD compares: Non-Finnish European, 0.00025%; no homozygotes.

Submission:

Labcorp Genetics (formerly Invitae), Labcorp
Classification: Uncertain significance for Familial cold autoinflammatory syndrome 3. Last evaluated: 2024-02-09. Review status: criteria provided, single submitter. Criteria: Invitae Variant Classification Sherloc (09022015). Collection method: clinical testing. Allele origin: germline.
Comment: This sequence change replaces serine, which is neutral and polar, with leucine, which is neutral and non-polar, at codon 397 of the PLCG2 protein (p.Ser397Leu). This variant is not present in population databases (gnomAD no frequency). This variant has not been reported in the literature in individuals affected with PLCG2-related conditions. An algorithm developed to predict the effect of missense changes on protein structure and function (PolyPhen-2) suggests that this variant is likely to be disruptive. In summary, the available evidence is currently insufficient to determine the role of this variant in disease. Therefore, it has been classified as a Variant of Uncertain Significance.